The following is an entry in ClinVar:

ClinVar aggregate classification (germline): Uncertain significance (1 of 4 stars; one submission).

Conditions:
Tuberous sclerosis 2 (TSC2). Identifiers: Orphanet 805, MedGen C1860707, MONDO:0013199, OMIM 613254.

Submission:

Labcorp Genetics (formerly Invitae), Labcorp
Classification: Uncertain significance for Tuberous sclerosis 2. Last evaluated: 2024-12-15. Review status: criteria provided, single submitter. Criteria: Invitae Variant Classification Sherloc (09022015). Collection method: clinical testing. Allele origin: germline.
Comment: This sequence change falls in intron 10 of the TSC2 gene. It does not directly change the encoded amino acid sequence of the TSC2 protein. This variant is not present in population databases (gnomAD no frequency). This variant has not been reported in the literature in individuals affected with TSC2-related conditions. ClinVar contains an entry for this variant (Variation ID: 847258). Algorithms developed to predict the effect of sequence changes on RNA splicing suggest that this variant may disrupt the consensus splice site. In summary, the available evidence is currently insufficient to determine the role of this variant in disease. Therefore, it has been classified as a Variant of Uncertain Significance.

NM_000548.5(TSC2):c.976-5T>A

Gene: TSC2 (TSC complex subunit 2; plus strand). Cytogenetic location: 16p13.3.
Variant type: single nucleotide variant.
Coding change: c.976-5T>A on transcript NM_000548.5 (MANE Select); 5 bases into the intron before coding-DNA position 976, T replaced by A.
Molecular consequence: intron variant.
Genome position (GRCh38, 1-based): chr16:2,060,665, T>A. VCF-style: chr16-2060665-T-A. GRCh37 (hg19) VCF-style: chr16-2110666-T-A.
Other names: c.976-5T>A (NM_001114382.3, NM_021055.3, NM_001370405.1 and 3 more transcripts); c.865-5T>A (NM_001318827.2); c.376-5T>A (NM_001318831.2); c.829-5T>A (NM_001318829.2); c.1009-5T>A (NM_001318832.2).
Identifiers: ClinVar variation 847258 (VCV000847258.9), dbSNP rs2086516322, ClinGen allele CA916081781.